The following is an entry in ClinVar:

ClinVar aggregate classification (germline): Pathogenic (1 of 4 stars; one submission).

Conditions:
Glycogen storage disease, type VI (GSD6). Also called: Glycogen storage disease type 6; Hepatic glycogen phosphorylase deficiency; HERS DISEASE; PHOSPHORYLASE DEFICIENCY GLYCOGEN-STORAGE DISEASE OF LIVER; Glycogen storage disease type 6, due to phosphorylation; GSD VI. Identifiers: Orphanet 369, MedGen C0017925, MONDO:0009294, OMIM 232700.

Submission:

Labcorp Genetics (formerly Invitae), Labcorp
Classification: Pathogenic for Glycogen storage disease, type VI. Last evaluated: 2025-12-23. Review status: criteria provided, single submitter. Criteria: Invitae Variant Classification Sherloc (09022015). Collection method: clinical testing. Allele origin: germline.
Comment: This sequence change creates a premature translational stop signal (p.Gln73*) in the PYGL gene. It is expected to result in an absent or disrupted protein product. Loss-of-function variants in PYGL are known to be pathogenic (PMID: 9536091, 21646031). This variant is not present in population databases (gnomAD no frequency). This variant has not been reported in the literature in individuals affected with PYGL-related conditions. For these reasons, this variant has been classified as Pathogenic.

Literature cited by the submitters: PubMed 9536091; PubMed 21646031.

NM_002863.5(PYGL):c.217C>T (p.Gln73Ter)

Gene: PYGL (glycogen phosphorylase L; minus strand). Cytogenetic location: 14q22.1.
Variant type: single nucleotide variant.
Coding change: c.217C>T on transcript NM_002863.5 (MANE Select); coding-DNA position 217, C replaced by T.
Protein change: p.Gln73Ter; replaces glutamine 73 with a stop codon.
Molecular consequence: nonsense.
Genome position (GRCh38, 1-based): chr14:50,944,187, G>A on the plus strand (C>T on the coding strand, the complement: PYGL is on the minus strand). VCF-style: chr14-50944187-G-A. GRCh37 (hg19) VCF-style: chr14-51410905-G-A.
Other names: c.217C>T, p.Gln73Ter (NM_001163940.2); short protein forms Q73*.
Identifiers: ClinVar variation 4771897 (VCV004771897.1).